The following is an entry in ClinVar:

NM_004385.5(VCAN):c.2448G>T (p.Glu816Asp)

Gene: VCAN (versican; plus strand). Cytogenetic location: 5q14.3.
Variant type: single nucleotide variant.
Coding change: c.2448G>T on transcript NM_004385.5 (MANE Select); coding-DNA position 2448, G replaced by T.
Protein change: p.Glu816Asp; replaces glutamic acid 816 with aspartic acid.
Molecular consequence: missense variant. On other transcripts: intron variant (2).
Genome position (GRCh38, 1-based): chr5:83,520,754, G>T. VCF-style: chr5-83520754-G-T. GRCh37 (hg19) VCF-style: chr5-82816573-G-T.
Other names: c.2448G>T, p.Glu816Asp (NM_001164098.2); c.1042+8358G>T (NM_001164097.2, NM_001126336.3); short protein forms E816D.
Identifiers: ClinVar variation 857959 (VCV000857959.12), dbSNP rs371816928, ClinGen allele CA360303959.
Genomic context (GRCh38, chr5:83,520,754, plus strand): 5'-AGCAGCCACTGTATCAAAATGGTCATGGGATGAAGATAATACAACATCCAAGCCTTTAGA[G>T]TCTACAGAACCTTCAGCCTCTTCAAAATTGCCCCCTGCCTTACTCACAACTGTGGGGATG-3'
Protein context (NP_004376.2, residues 806-826): DEDNTTSKPL[Glu816Asp]STEPSASSKL

ClinVar aggregate classification (germline): Uncertain significance. Review status: criteria provided, multiple submitters, no conflicts (2 of 4 stars). 2 submissions from 2 submitters: Uncertain significance (2). Last evaluated 2022-02-17.

gnomAD v4.1: 1 of 1,614,140 alleles (0.000062%); highest among the groups gnomAD compares: Middle Eastern, 0.016%; no homozygotes.

Submissions (3):

Blueprint Genetics
Classification: Uncertain significance. Last evaluated: 2022-02-17. Review status: criteria provided, single submitter. Criteria: ACMG Guidelines, 2015. Collection method: clinical testing. Allele origin: germline.

Labcorp Genetics (formerly Invitae), Labcorp
Classification: Uncertain significance. Last evaluated: 2019-12-27. Review status: criteria provided, single submitter. Criteria: Invitae Variant Classification Sherloc (09022015). Collection method: clinical testing. Allele origin: germline.
Comment: In summary, the available evidence is currently insufficient to determine the role of this variant in disease. Therefore, it has been classified as a Variant of Uncertain Significance. Algorithms developed to predict the effect of missense changes on protein structure and function (SIFT, PolyPhen-2, Align-GVGD) all suggest that this variant is likely to be tolerated, but these predictions have not been confirmed by published functional studies and their clinical significance is uncertain. This variant has not been reported in the literature in individuals with VCAN-related conditions. This variant is not present in population databases (ExAC no frequency). This sequence change replaces glutamic acid with aspartic acid at codon 816 of the VCAN protein (p.Glu816Asp). The glutamic acid residue is moderately conserved and there is a small physicochemical difference between glutamic acid and aspartic acid.

Dr. Peter K. Rogan Lab, Western University
No classification provided (evidence only). Condition: Thyroid cancer, nonmedullary, 1. Review status: no classification provided. Collection method: in vitro. Allele origin: not applicable. Functional consequence: retained intron. Not counted in ClinVar's aggregate classification.